The following is an entry in ClinVar:

ClinVar aggregate classification (germline): Uncertain significance (0 of 4 stars; one submission).

Conditions:
PLXNA4-related disorder. Also called: PLXNA4-related condition.

Submission:

PreventionGenetics, part of Exact Sciences
Classification: Uncertain significance for PLXNA4-related condition. Last evaluated: 2024-06-11. Review status: no assertion criteria provided. Collection method: clinical testing. Allele origin: germline.
Comment: The PLXNA4 c.5180A>G variant is predicted to result in the amino acid substitution p.His1727Arg. To our knowledge, this variant has not been reported in the literature or in a large population database, indicating this variant is rare. At this time, the clinical significance of this variant is uncertain due to the absence of conclusive functional and genetic evidence.

NM_020911.2(PLXNA4):c.5180A>G (p.His1727Arg)

Gene: PLXNA4 (plexin A4; minus strand). Cytogenetic location: 7q32.3.
Variant type: single nucleotide variant.
Coding change: c.5180A>G on transcript NM_020911.2 (MANE Select); coding-DNA position 5180, A replaced by G.
Protein change: p.His1727Arg; replaces histidine 1727 with arginine.
Molecular consequence: missense variant.
Genome position (GRCh38, 1-based): chr7:132,145,164, T>C on the plus strand (A>G on the coding strand, the complement: PLXNA4 is on the minus strand). VCF-style: chr7-132145164-T-C. GRCh37 (hg19) VCF-style: chr7-131829923-T-C.
Other names: c.5180A>G, p.His1727Arg (NM_001393897.1); short protein forms H1727R.
Identifiers: ClinVar variation 3346645 (VCV003346645.1).